The following is an entry in ClinVar:

NM_001267550.2(TTN):c.73385G>C (p.Trp24462Ser)

Genes: TTN (titin; minus strand), TTN-AS1 (TTN antisense RNA 1; plus strand). Cytogenetic location: 2q31.2.
Variant type: single nucleotide variant.
Coding change: c.73385G>C on transcript NM_001267550.2 (MANE Select); coding-DNA position 73385, G replaced by C.
Protein change: p.Trp24462Ser; replaces tryptophan 24462 with serine.
Molecular consequence: missense variant.
Genome position (GRCh38, 1-based): chr2:178,572,747, C>G on the plus strand (G>C on the coding strand, the complement: TTN is on the minus strand). VCF-style: chr2-178572747-C-G. GRCh37 (hg19) VCF-style: chr2-179437474-C-G.
Other names: c.68462G>C, p.Trp22821Ser (NM_001256850.1); c.46190G>C, p.Trp15397Ser (NM_003319.4); c.46565G>C, p.Trp15522Ser (NM_133432.3); c.46766G>C, p.Trp15589Ser (NM_133437.4); c.65681G>C, p.Trp21894Ser (NM_133378.4); short protein forms W21894S, W24462S, W15589S, W15397S, W22821S, W15522S.
Identifiers: ClinVar variation 517385 (VCV000517385.5), dbSNP rs1553607435, ClinGen allele CA349642377.

ClinVar aggregate classification (germline): Uncertain significance (1 of 4 stars; one submission).

Submission:

Laboratory for Molecular Medicine, Mass General Brigham Personalized Medicine
Classification: Uncertain significance. Last evaluated: 2017-05-31. Review status: criteria provided, single submitter. Criteria: LMM Criteria. Collection method: clinical testing. Allele origin: germline. Observed: 1 variant allele.
Comment: The p.Trp21894Ser variant in TTN has not been previously reported in individuals with cardiomyopathy and was absent from large population studies. Computational prediction tools and conservation analysis suggest that this variant may impact the protein, though this information is not predictive enough to determine path ogenicity. In summary, the clinical significance of the p.Trp21894Ser variant is uncertain.